The following is an entry in ClinVar:

ClinVar aggregate classification (germline): Pathogenic/Likely pathogenic. Review status: criteria provided, multiple submitters, no conflicts (2 of 4 stars). 8 submissions from 8 submitters: Pathogenic (5); Likely pathogenic (2). 1 of the submissions does not count toward it. Last evaluated 2025-08-01.

Conditions:
Oculocutaneous albinism type 1A (OCA1A). Also called: Albinism, oculocutaneous, type IA. Identifiers: Orphanet 352731, Orphanet 79431, MedGen C4551504, MONDO:0008745, OMIM 203100. Disease mechanism: loss of function.
Oculocutaneous albinism type 1B (OCA1B). Also called: ALBINISM, OCULOCUTANEOUS, TYPE IB; YELLOW ALBINISM; ALBINISM, YELLOW MUTANT TYPE. Identifiers: Orphanet 352731, Orphanet 352737, Orphanet 79434, MedGen C1847024, MONDO:0011749, OMIM 606952.
SKIN/HAIR/EYE PIGMENTATION 3, LIGHT/DARK SKIN (SHEP3). Also called: SKIN/HAIR/EYE PIGMENTATION, VARIATION IN, 3; EYE COLOR 1; EYE COLOR, GREEN/BLUE; SKIN/HAIR/EYE PIGMENTATION 3, BLUE/GREEN EYE COLOR; SKIN/HAIR/EYE PIGMENTATION 3, FRECKLING. Identifiers: MedGen C2677190, OMIM 601800.

Allele frequency attached by ClinVar (database versions not stated): ExAC 0.00001; gnomAD 0.00001; gnomAD exomes 0.00002 and below 0.00001; TOPMed 0.00005.

Submissions (8):

First Genomix Gene Laboratory, Genetic Diagnostics Department
Classification: Pathogenic for Oculocutaneous albinism type 1A; Oculocutaneous albinism type 1B. Last evaluated: 2025-08-01. Review status: criteria provided, single submitter. Criteria: ACMG Guidelines, 2015. Collection method: clinical testing. Allele origin: germline. Inheritance: Autosomal recessive inheritance. Affected: no. Observed: 1 variant allele.

Fulgent Genetics
Classification: Pathogenic for Oculocutaneous albinism type 1A; SKIN/HAIR/EYE PIGMENTATION 3, LIGHT/DARK SKIN; Oculocutaneous albinism type 1B. Last evaluated: 2024-05-03. Review status: criteria provided, single submitter. Criteria: ACMG Guidelines, 2015. Collection method: clinical testing. Allele origin: germline.

Baylor Genetics
Classification: Pathogenic for SKIN/HAIR/EYE PIGMENTATION 3, LIGHT/DARK SKIN. Last evaluated: 2024-03-04. Review status: criteria provided, single submitter. Criteria: ACMG Guidelines, 2015. Collection method: clinical testing. Allele origin: unknown.

Labcorp Genetics (formerly Invitae), Labcorp
Classification: Pathogenic. Last evaluated: 2023-11-05. Review status: criteria provided, single submitter. Criteria: Invitae Variant Classification Sherloc (09022015). Collection method: clinical testing. Allele origin: germline.
Comment: This variant, c.230_232dup, results in the insertion of 1 amino acid(s) of the TYR protein (p.Arg77_Glu78insGly), but otherwise preserves the integrity of the reading frame. This variant is present in population databases (rs752328625, gnomAD 0.04%). This variant has been observed in individual(s) with clinical features of TYR-related conditions and/or oculocutaneous albinism (PMID: 10571953, 30791930, 31077556, 33177702). This variant is also known as 232-233insGGG and c.229_230insGGG. ClinVar contains an entry for this variant (Variation ID: 99554). For these reasons, this variant has been classified as Pathogenic.

Revvity Omics, Revvity
Classification: Likely pathogenic. Last evaluated: 2023-03-02. Review status: criteria provided, single submitter. Criteria: ACMG Guidelines, 2015. Collection method: clinical testing. Allele origin: germline.

Genetic Services Laboratory, University of Chicago
Classification: Likely pathogenic. Last evaluated: 2017-11-14. Review status: criteria provided, single submitter. Criteria: ACMG Guidelines, 2015. Collection method: clinical testing. Allele origin: germline. Affected: yes.

Juno Genomics, Hangzhou Juno Genomics, Inc
Classification: Pathogenic for SKIN/HAIR/EYE PIGMENTATION 3, LIGHT/DARK SKIN; Oculocutaneous albinism type 1A; Oculocutaneous albinism type 1B. Review status: criteria provided, single submitter. Criteria: ACMG Guidelines, 2015. Collection method: clinical testing. Allele origin: germline. Affected: yes.
Comment: Absent from controls (or at extremely low frequency if recessive) in Genome Aggregation Database, Exome Sequencing Project, 1000 Genomes Project, or Exome Aggregation Consortium.;Protein length changes due to in-frame deletions/insertions in a non-repeat region or stop-loss variants.;For recessive disorders, detected in trans with a pathogenic variant.;Patient's phenotype or family history is highly specific for a disease with a single genetic etiology.

Retina International
No classification provided. Review status: no classification provided. Collection method: not provided. Allele origin: unknown. Not counted in ClinVar's aggregate classification.

Literature cited by the submitters: PubMed 10571953 (cited by Labcorp Genetics (formerly Invitae), Labcorp); PubMed 30791930 (cited by Labcorp Genetics (formerly Invitae), Labcorp); PubMed 31077556 (cited by Labcorp Genetics (formerly Invitae), Labcorp); PubMed 33177702 (cited by Labcorp Genetics (formerly Invitae), Labcorp).

NM_000372.5(TYR):c.230_232dup (p.Arg77_Glu78insGly)

Gene: TYR (tyrosinase; plus strand). Cytogenetic location: 11q14.3.
Variant type: Duplication.
Coding change: c.230_232dup on transcript NM_000372.5 (MANE Select); coding-DNA positions 230 to 232, 3 bases duplicated (GGG; older notation c.230_232dupGGG).
Protein change: p.Arg77_Glu78insGly.
Molecular consequence: inframe insertion.
Genome position (GRCh38, 1-based): chr11:89,178,183-89,178,185, GGG duplicated. VCF-style (leftmost placement, unchanged base first): chr11-89178182-C-CGGG. GRCh37 (hg19) VCF-style: chr11-88911350-C-CGGG.
Other names: c.230_232dupGGG (NM_000372.4); c.231_232insGGG (NM_000372.4).
Identifiers: ClinVar variation 99554 (VCV000099554.18), dbSNP rs61753187, ClinGen allele CA227544.